The following is an entry in ClinVar:

NM_000371.4(TTR):c.137T>C (p.Ile46Thr)

Gene: TTR (transthyretin; plus strand). Cytogenetic location: 18q12.1.
Variant type: single nucleotide variant.
Coding change: c.137T>C on transcript NM_000371.4 (MANE Select); coding-DNA position 137, T replaced by C.
Protein change: p.Ile46Thr; replaces isoleucine 46 with threonine.
Molecular consequence: missense variant.
Genome position (GRCh38, 1-based): chr18:31,592,963, T>C. VCF-style: chr18-31592963-T-C. GRCh37 (hg19) VCF-style: chr18-29172926-T-C.
Other names: short protein forms I46T.
Identifiers: ClinVar variation 639226 (VCV000639226.10), dbSNP rs1598844137, ClinGen allele CA402156697.
Genomic context (GRCh38, chr18:31,592,963, plus strand): 5'-GTGAATCCAAGTGTCCTCTGATGGTCAAAGTTCTAGATGCTGTCCGAGGCAGTCCTGCCA[T>C]CAATGTGGCCGTGCATGTGTTCAGAAAGGCTGCTGATGACACCTGGGAGCCATTTGCCTC-3'
Protein context (NP_000362.1, residues 36-56): VLDAVRGSPA[Ile46Thr]NVAVHVFRKA

ClinVar aggregate classification (germline): Uncertain significance. Review status: criteria provided, multiple submitters, no conflicts (2 of 4 stars). 2 submissions from 2 submitters: Uncertain significance (2). Last evaluated 2026-07-29.

Conditions:
Amyloidosis, hereditary systemic 1 (AMYLD1). Also called: Familial amyloid polyneuropathy; Isolated Cardiac Amyloidosis; Amyloid Cardiomyopathy, Transthyretin-related; Hereditary oculoleptomeningeal amyloid angiopathy; Familial Transthyretin Amyloidosis; Transthyretin Amyloidosis. Identifiers: Orphanet 85447, Orphanet 85451, MedGen C2751492, MONDO:0971004, OMIM 105210.
Cardiovascular phenotype. Identifiers: MedGen CN230736.

Allele frequency attached by ClinVar (database versions not stated): gnomAD exomes below 0.00001; gnomAD 0.00001.
gnomAD v4.1: 3 of 1,614,040 alleles (0.00019%); highest among the groups gnomAD compares: African/African-American, 0.004%; no homozygotes.

Submissions (2):

Ambry Genetics
Classification: Uncertain significance for Cardiovascular phenotype. Last evaluated: 2026-07-29. Review status: criteria provided, single submitter. Criteria: Ambry Variant Classification Scheme 2023. Collection method: clinical testing. Allele origin: germline.

Labcorp Genetics (formerly Invitae), Labcorp
Classification: Uncertain significance for Amyloidosis, hereditary systemic 1. Last evaluated: 2024-05-06. Review status: criteria provided, single submitter. Criteria: Invitae Variant Classification Sherloc (09022015). Collection method: clinical testing. Allele origin: germline.
Comment: This sequence change replaces isoleucine, which is neutral and non-polar, with threonine, which is neutral and polar, at codon 46 of the TTR protein (p.Ile46Thr). This variant is not present in population databases (gnomAD no frequency). This variant has not been reported in the literature in individuals affected with TTR-related conditions. ClinVar contains an entry for this variant (Variation ID: 639226). Advanced modeling of protein sequence and biophysical properties (such as structural, functional, and spatial information, amino acid conservation, physicochemical variation, residue mobility, and thermodynamic stability) performed at Invitae indicates that this missense variant is expected to disrupt TTR protein function with a positive predictive value of 95%. In summary, the available evidence is currently insufficient to determine the role of this variant in disease. Therefore, it has been classified as a Variant of Uncertain Significance.